The following is an entry in ClinVar:

NM_000179.3(MSH6):c.1759del (p.Ala587fs)

Gene: MSH6 (mutS homolog 6; plus strand). Cytogenetic location: 2p16.3.
Variant type: Deletion.
Coding change: c.1759del on transcript NM_000179.3 (MANE Select); coding-DNA position 1759, one base deleted (G; older notation c.1759delG).
Protein change: p.Ala587fs; shifts the reading frame from alanine 587.
Molecular consequence: frameshift variant.
Genome position (GRCh38, 1-based): chr2:47,799,742, G deleted; the last of 2 consecutive G bases (chr2:47,799,741-47,799,742); deleting either gives the same sequence. VCF-style (leftmost placement, unchanged base first): chr2-47799740-TG-T. GRCh37 (hg19) VCF-style: chr2-48026879-TG-T.
Other names: c.1369del, p.Ala457fs (NM_001281492.2); c.853del, p.Ala285fs (NM_001281493.2, NM_001281494.2); c.1855delG, p.Ala619Hisfs (NM_001406795.1, NM_001406802.1); c.1759delG, p.Ala587Hisfs (NM_001406796.1, NM_001406798.1, NM_001406800.1 and 3 more transcripts); c.1462delG, p.Ala488Hisfs (NM_001406797.1, NM_001406801.1, NM_001406805.1 and 10 more transcripts); c.1234delG, p.Ala412Hisfs (NM_001406799.1, NM_001406806.1, NM_001406807.1); c.1681delG, p.Ala561Hisfs (NM_001406804.1); c.853delG, p.Ala285Hisfs (NM_001406811.1, NM_001406812.1, NM_001406814.1 and 4 more transcripts); and 2 more; short protein forms A587fs, A285fs, A457fs.
Identifiers: ClinVar variation 1779532 (VCV001779532.2), dbSNP rs2530628334, ClinGen allele CA2580067692.

ClinVar aggregate classification (germline): Pathogenic (1 of 4 stars; one submission).

Conditions:
Hereditary cancer-predisposing syndrome. Also called: Neoplastic Syndromes, Hereditary; Tumor predisposition; Hereditary Cancer Syndrome; Hereditary neoplastic syndrome. Identifiers: Orphanet 140162, MedGen C0027672, MeSH D009386, MONDO:0015356.

Submission:

Ambry Genetics
Classification: Pathogenic for Hereditary cancer-predisposing syndrome. Last evaluated: 2020-07-10. Review status: criteria provided, single submitter. Criteria: Ambry Variant Classification Scheme 2023. Collection method: clinical testing. Allele origin: germline.
Comment: The c.1759delG pathogenic mutation, located in coding exon 4 of the MSH6 gene, results from a deletion of one nucleotide at nucleotide position 1759, causing a translational frameshift with a predicted alternate stop codon (p.A587Hfs*23). This alteration is expected to result in loss of function by premature protein truncation or nonsense-mediated mRNA decay. As such, this alteration is interpreted as a disease-causing mutation.